The following is an entry in ClinVar:

ClinVar aggregate classification (germline): Benign. Review status: criteria provided, multiple submitters, no conflicts (2 of 4 stars). 6 submissions from 2 submitters: Benign (6). Last evaluated 2018-01-13.

Conditions:
Congenital myasthenic syndrome 16. Identifiers: Orphanet 590, MedGen C3280112, MONDO:0013620, OMIM 614198.
Potassium-aggravated myotonia. Also called: Myotonia congenita, atypical, acetazolamide-responsive; MYOTONIA CONGENITA, ACETAZOLAMIDE-RESPONSIVE; MYOTONIA CONGENITA, ATYPICAL; SODIUM CHANNEL MUSCLE DISEASE. Identifiers: Orphanet 612, Orphanet 99734, Orphanet 99735, Orphanet 99736, MedGen C2931826, MONDO:0018959, OMIM 608390.
Hypokalemic periodic paralysis, type 2 (HOKPP2). Identifiers: Orphanet 681, MedGen C2750061, MONDO:0013234, OMIM 613345.
Paramyotonia congenita of Von Eulenburg. Also called: Paramyotonia Congenita; PARALYSIS PERIODICA PARAMYOTONICA; Eulenburg disease; Myotonia congenita intermittens; Von Eulenburg paramyotonia congenita. Identifiers: Orphanet 684, MedGen C0221055, MONDO:0008195, OMIM 168300. Disease mechanism: loss of function.
Hyperkalemic periodic paralysis. Also called: Familial hyperkalemic periodic paralysis; Gamstorp disease. Identifiers: Orphanet 682, MedGen C0238357, MONDO:0008224, OMIM 170500, HP:0007215.

Allele frequency attached by ClinVar (database versions not stated): TOPMed 0.00010; gnomAD exomes 0.00136 and 0.00268; ExAC 0.00286; 1000 Genomes Project 30x 0.00406; gnomAD 0.00010; 1000 Genomes Project 0.00479.
gnomAD v4.1: 2,058 of 1,577,398 alleles (0.13%); highest among the groups gnomAD compares: South Asian, 2.3%; 33 homozygotes.

Submissions (6):

Illumina Laboratory Services, Illumina
Classification: Benign for Paramyotonia congenita of Von Eulenburg. Last evaluated: 2018-01-13. Review status: criteria provided, single submitter. Criteria: ICSL Variant Classification Criteria 13 December 2019. Collection method: clinical testing. Allele origin: germline.
Comment: This variant was observed in the ICSL laboratory as part of a predisposition screen in an ostensibly healthy population. It had not been previously curated by ICSL or reported in the Human Gene Mutation Database (HGMD: prior to June 1st, 2018), and was therefore a candidate for classification through an automated scoring system. Utilizing variant allele frequency, disease prevalence and penetrance estimates, and inheritance mode, an automated score was calculated to assess if this variant is too frequent to cause the disease. Based on the score and internal cut-off values, a variant classified as benign is not then subjected to further curation. The score for this variant resulted in a classification of benign for this disease.

Illumina Laboratory Services, Illumina
Classification: Benign for Hypokalemic periodic paralysis, type 2. Last evaluated: 2018-01-13. Review status: criteria provided, single submitter. Criteria: ICSL Variant Classification Criteria 13 December 2019. Collection method: clinical testing. Allele origin: germline.
Comment: the same text as in the submission from Illumina Laboratory Services, Illumina above.

Illumina Laboratory Services, Illumina
Classification: Benign for Potassium-aggravated myotonia. Last evaluated: 2018-01-13. Review status: criteria provided, single submitter. Criteria: ICSL Variant Classification Criteria 13 December 2019. Collection method: clinical testing. Allele origin: germline.
Comment: the same text as in the submission from Illumina Laboratory Services, Illumina above.

Illumina Laboratory Services, Illumina
Classification: Benign for Congenital myasthenic syndrome 16. Last evaluated: 2018-01-13. Review status: criteria provided, single submitter. Criteria: ICSL Variant Classification Criteria 13 December 2019. Collection method: clinical testing. Allele origin: germline.
Comment: the same text as in the submission from Illumina Laboratory Services, Illumina above.

Illumina Laboratory Services, Illumina
Classification: Benign for Hyperkalemic periodic paralysis. Last evaluated: 2018-01-13. Review status: criteria provided, single submitter. Criteria: ICSL Variant Classification Criteria 13 December 2019. Collection method: clinical testing. Allele origin: germline.
Comment: the same text as in the submission from Illumina Laboratory Services, Illumina above.

GeneDx
Classification: Benign. Last evaluated: 2016-10-19. Review status: criteria provided, single submitter. Criteria: GeneDx Variant Classification (06012015). Collection method: clinical testing. Allele origin: germline. Affected: yes.
Comment: This variant is considered likely benign or benign based on one or more of the following criteria: it is a conservative change, it occurs at a poorly conserved position in the protein, it is predicted to be benign by multiple in silico algorithms, and/or has population frequency not consistent with disease.

NM_000334.4(SCN4A):c.-33C>T

Gene: SCN4A (sodium voltage-gated channel alpha subunit 4; minus strand). Cytogenetic location: 17q23.3.
Variant type: single nucleotide variant.
Coding change: c.-33C>T on transcript NM_000334.4 (MANE Select); 33 bases upstream of the start codon, C replaced by T.
Molecular consequence: 5 prime UTR variant.
Genome position (GRCh38, 1-based): chr17:63,972,874, G>A on the plus strand (C>T on the coding strand, the complement: SCN4A is on the minus strand). VCF-style: chr17-63972874-G-A. GRCh37 (hg19) VCF-style: chr17-62050234-G-A.
Identifiers: ClinVar variation 324557 (VCV000324557.5), dbSNP rs575313119, ClinGen allele CA8710320.